The following is an entry in ClinVar:

ClinVar aggregate classification (germline): Conflicting classifications of pathogenicity. Review status: criteria provided, conflicting classifications (1 of 4 stars). 2 submissions from 2 submitters: Uncertain significance (1); Benign (1). Last evaluated 2025-06-30.

Conditions:
KMT2D-related disorder. Also called: KMT2D-Related Disorders.
Kabuki syndrome. Also called: NIIKAWA-KUROKI SYNDROME; Kabuki make-up syndrome. Identifiers: Orphanet 2322, MedGen C0796004, MONDO:0016512.

gnomAD v4.1: 10 of 1,612,862 alleles (0.00062%); highest among the groups gnomAD compares: East Asian, 0.0022%; no homozygotes.

Submissions (2):

PreventionGenetics, part of Exact Sciences
Classification: Uncertain significance for KMT2D-related condition. Last evaluated: 2025-06-30. Review status: criteria provided, single submitter. Criteria: ACMG Guidelines, 2015. Collection method: clinical testing. Allele origin: germline.
Comment: The KMT2D c.2210G>A variant is predicted to result in the amino acid substitution p.Arg737Gln. To our knowledge, this variant has not been reported in the literature. This variant is reported in 0.0056% of alleles in individuals of East Asian descent in gnomAD. At this time, the clinical significance of this variant is uncertain due to the absence of conclusive functional and genetic evidence.

Labcorp Genetics (formerly Invitae), Labcorp
Classification: Benign for Kabuki syndrome. Last evaluated: 2024-09-05. Review status: criteria provided, single submitter. Criteria: Invitae Variant Classification Sherloc (09022015). Collection method: clinical testing. Allele origin: germline.

NM_003482.4(KMT2D):c.2210G>A (p.Arg737Gln)

Gene: KMT2D (lysine methyltransferase 2D; minus strand). Cytogenetic location: 12q13.12.
Variant type: single nucleotide variant.
Coding change: c.2210G>A on transcript NM_003482.4 (MANE Select); coding-DNA position 2210, G replaced by A.
Protein change: p.Arg737Gln; replaces arginine 737 with glutamine.
Molecular consequence: missense variant.
Genome position (GRCh38, 1-based): chr12:49,051,473, C>T on the plus strand (G>A on the coding strand, the complement: KMT2D is on the minus strand). VCF-style: chr12-49051473-C-T. GRCh37 (hg19) VCF-style: chr12-49445256-C-T.
Other names: short protein forms R737Q.
Identifiers: ClinVar variation 2197101 (VCV002197101.5), dbSNP rs749732303, ClinGen allele CA6548316.
Genomic context (GRCh38, chr12:49,051,473, plus strand): 5'-TCAGGCCGGGGGGACAGGTGCGGCTCCTCAGGCCGGGGTGACAGGTGCGGCCCCTCGGAC[C>T]GGGGGCAGAGTTGCGGCTCCTCAGGTAGTGGCAACAGGGGTGACTCCTCCAGCGGCAGGG-3'
Protein context (NP_003473.3, residues 727-747): PLPEEPQLCP[Arg737Gln]SEGPHLSPRP